The following is an entry in ClinVar:

NM_173628.4(DNAH17):c.12644C>G (p.Ala4215Gly)

Gene: DNAH17 (dynein axonemal heavy chain 17; minus strand). Cytogenetic location: 17q25.3.
Variant type: single nucleotide variant.
Coding change: c.12644C>G on transcript NM_173628.4 (MANE Select); coding-DNA position 12644, C replaced by G.
Protein change: p.Ala4215Gly; replaces alanine 4215 with glycine.
Molecular consequence: missense variant.
Genome position (GRCh38, 1-based): chr17:78,427,053, G>C on the plus strand (C>G on the coding strand, the complement: DNAH17 is on the minus strand). VCF-style: chr17-78427053-G-C. GRCh37 (hg19) VCF-style: chr17-76423134-G-C.
Other names: short protein forms A4215G.
Identifiers: ClinVar variation 2516244 (VCV002516244.26), dbSNP rs372755956, ClinGen allele CA8799941.
Genomic context (GRCh38, chr17:78,427,053, plus strand): 5'-CATTCTTGAAAGGCGACTACCACGTAGGGGGTCTTTTCCGCTGCCTTTGCCATGATCTCA[G>C]CCATGTTGAAAGTCTCCGGAATCTTCTCCAGGATGTCGTCCAGCACGGCCTTCACCTGGA-3'
Protein context (NP_775899.3, residues 4205-4225): LEKIPETFNM[Ala4215Gly]EIMAKAAEKT

ClinVar aggregate classification (germline): Conflicting classifications of pathogenicity. Review status: criteria provided, conflicting classifications (1 of 4 stars). 2 submissions from 2 submitters: Uncertain significance (1); Likely benign (1). Last evaluated 2023-06-07.

Conditions:
Inborn genetic diseases. Identifiers: MedGen C0950123, MeSH D030342.

Allele frequency attached by ClinVar (database versions not stated): gnomAD 0.00001; TOPMed 0.00001; gnomAD exomes 0.00002; ExAC 0.00003; ESP Exome Variant Server 0.00008.
gnomAD v4.1: 14 of 1,599,844 alleles (0.00088%); highest among the groups gnomAD compares: African/African-American, 0.0013%; no homozygotes.

Submissions (2):

Ambry Genetics
Classification: Uncertain significance for Inborn genetic diseases. Last evaluated: 2023-06-07. Review status: criteria provided, single submitter. Criteria: Ambry Variant Classification Scheme 2023. Collection method: clinical testing. Allele origin: germline.

CeGaT Center for Human Genetics Tuebingen
Classification: Likely benign. Last evaluated: 2022-08-01. Review status: criteria provided, single submitter. Criteria: CeGaT Center For Human Genetics Tuebingen Variant Classification Criteria Version 2. Collection method: clinical testing. Allele origin: germline. Affected: yes. Observed: 1 variant allele.
Comment: DNAH17: BP4